The following is an entry in ClinVar:

ClinVar aggregate classification (germline): Uncertain significance (0 of 4 stars; one submission).

Conditions:
Fanconi anemia complementation group A (FANCA). Also called: Fanconi anemia, group A; FANCA-Related Fanconi Anemia. Identifiers: Orphanet 84, MedGen C3469521, MONDO:0009215, OMIM 227650.

Submission:

Leiden Open Variation Database
Classification: Uncertain significance for Fanconi anemia complementation group A. Last evaluated: 2020-02-28. Review status: no assertion criteria provided. Collection method: curation. Allele origin: germline. Affected: yes.
Comment: Curator: Arleen D. Auerbach. Submitter to LOVD: Arleen D. Auerbach.

NC_000016.10:g.(89752223_89758576)_(89775816_89778800)del

Gene: FANCA (FA complementation group A; minus strand). Cytogenetic location: 16q24.3.
Variant type: Deletion.
Identifiers: ClinVar variation 974132 (VCV000974132.1).